The following is an entry in ClinVar:

NC_000014.8:g.(?_67243162)_(67490412_?)del

Gene: GPHN (gephyrin; plus strand). Cytogenetic location: 14q23.3.
Variant type: Deletion.
Identifiers: ClinVar variation 1458284 (VCV001458284.4).

ClinVar aggregate classification (germline): Pathogenic (1 of 4 stars; one submission).

Conditions:
Sulfite oxidase deficiency due to molybdenum cofactor deficiency type C. Also called: Molybdenum cofactor deficiency C; Molybdenum cofactor deficiency, complementation group C. Identifiers: Orphanet 308400, Orphanet 833, MedGen C1854990, MONDO:0014212, OMIM 615501.

Submission:

Labcorp Genetics (formerly Invitae), Labcorp
Classification: Pathogenic for Sulfite oxidase deficiency due to molybdenum cofactor deficiency type C. Last evaluated: 2021-11-02. Review status: criteria provided, single submitter. Criteria: Invitae Variant Classification Sherloc (09022015). Collection method: clinical testing. Allele origin: germline.
Comment: For these reasons, this variant has been classified as Pathogenic. This variant has not been reported in the literature in individuals affected with GPHN-related conditions. This variant is a gross deletion of the genomic region encompassing exon(s) 3-10 of the GPHN gene. This deletion is out-of-frame, and is expected to create a premature termination codon and result in an absent or disrupted protein product. Loss-of-function variants in GPHN are known to be pathogenic (PMID: 11095995, 23184456, 23393157).

Literature cited by the submitters: PubMed 11095995; PubMed 23184456; PubMed 23393157.